The following is an entry in ClinVar:

ClinVar aggregate classification (germline): Likely benign (1 of 4 stars; one submission).

Allele frequency attached by ClinVar (database versions not stated): ExAC below 0.00001; gnomAD 0.00003; TOPMed 0.00009; gnomAD exomes 0.00035.
gnomAD v4.1: 32 of 1,421,156 alleles (0.0023%); highest among the groups gnomAD compares: Admixed American, 0.084%; no homozygotes.

Submission:

GeneDx
Classification: Likely benign. Last evaluated: 2016-11-02. Review status: criteria provided, single submitter. Criteria: GeneDx Variant Classification (06012015). Collection method: clinical testing. Allele origin: germline. Affected: yes.
Comment: This variant is considered likely benign or benign based on one or more of the following criteria: it is a conservative change, it occurs at a poorly conserved position in the protein, it is predicted to be benign by multiple in silico algorithms, and/or has population frequency not consistent with disease.

NM_024301.5(FKRP):c.-253+14G>A

Genes: STRN4 (striatin 4; minus strand), FKRP (fukutin related protein; plus strand), LOC130064775 (ATAC-STARR-seq lymphoblastoid silent region 10825; plus strand). Cytogenetic location: 19q13.32.
Variant type: single nucleotide variant.
Coding change: c.-253+14G>A on transcript NM_024301.5 (MANE Select); 14 bases into the intron after 253 bases upstream of the start codon, G replaced by A.
Molecular consequence: intron variant.
Genome position (GRCh38, 1-based): chr19:46,746,104, G>A. VCF-style: chr19-46746104-G-A. GRCh37 (hg19) VCF-style: chr19-47249361-G-A.
Other names: c.282+45C>T (NM_013403.3, NM_001039877.2); c.-305+14G>A (NM_001039885.3).
Identifiers: ClinVar variation 390494 (VCV000390494.2), dbSNP rs755990039, ClinGen allele CA9532044.
Genomic context (GRCh38, chr19:46,746,104, plus strand): 5'-CCGTCCCGGCGGCCATTGCTCCAAGATGGCGGCGGCGGCGGCAGCGGGTGAGGCCGGGCC[G>A]GGCCGGGCCGGGTTGGGGGTCGGGGGTCCCGGGACAGCGCTCACCTGTAACTCGGCGCGC-3'